The following is an entry in ClinVar:

NM_145064.3(STAC3):c.1090A>T (p.Ile364Phe)

Gene: STAC3 (SH3 and cysteine rich domain 3; minus strand). Cytogenetic location: 12q13.3.
Variant type: single nucleotide variant.
Coding change: c.1090A>T on transcript NM_145064.3 (MANE Select); coding-DNA position 1090, A replaced by T.
Protein change: p.Ile364Phe; replaces isoleucine 364 with phenylalanine.
Molecular consequence: missense variant. On other transcripts: non-coding transcript variant (1).
Genome position (GRCh38, 1-based): chr12:57,243,817, T>A on the plus strand (A>T on the coding strand, the complement: STAC3 is on the minus strand). VCF-style: chr12-57243817-T-A. GRCh37 (hg19) VCF-style: chr12-57637600-T-A.
Other names: c.1090A>T (NM_145064.1); c.973A>T, p.Ile325Phe (NM_001286256.2); c.532A>T, p.Ile178Phe (NM_001286257.2); short protein forms I178F, I364F, I325F.
Identifiers: ClinVar variation 2058848 (VCV002058848.6), dbSNP rs779483995, ClinGen allele CA6646905.

ClinVar aggregate classification (germline): Uncertain significance. Review status: criteria provided, multiple submitters, no conflicts (2 of 4 stars). 2 submissions from 2 submitters: Uncertain significance (2). Last evaluated 2023-06-12.

Conditions:
Inborn genetic diseases. Identifiers: MedGen C0950123, MeSH D030342.
Bailey-Bloch congenital myopathy (CMYO13). Also called: Native American myopathy; Congenital myopathy 13; STAC3 disorder. Identifiers: Orphanet 168572, MedGen C1850625, MONDO:0009722, OMIM 255995.

Allele frequency attached by ClinVar (database versions not stated): gnomAD exomes 0.00001; ExAC 0.00002; gnomAD 0.00002; TOPMed 0.00003.
gnomAD v4.1: 17 of 1,613,892 alleles (0.0011%); highest among the groups gnomAD compares: Admixed American, 0.0017%; no homozygotes.

Submissions (2):

Ambry Genetics
Classification: Uncertain significance for Inborn genetic diseases. Last evaluated: 2023-06-12. Review status: criteria provided, single submitter. Criteria: Ambry Variant Classification Scheme 2023. Collection method: clinical testing. Allele origin: germline.

Labcorp Genetics (formerly Invitae), Labcorp
Classification: Uncertain significance for Bailey-Bloch congenital myopathy. Last evaluated: 2022-07-09. Review status: criteria provided, single submitter. Criteria: Invitae Variant Classification Sherloc (09022015). Collection method: clinical testing. Allele origin: germline.
Comment: In summary, the available evidence is currently insufficient to determine the role of this variant in disease. Therefore, it has been classified as a Variant of Uncertain Significance. This sequence change replaces isoleucine, which is neutral and non-polar, with phenylalanine, which is neutral and non-polar, at codon 364 of the STAC3 protein (p.Ile364Phe). This variant is present in population databases (rs779483995, gnomAD 0.003%). This variant has not been reported in the literature in individuals affected with STAC3-related conditions. Algorithms developed to predict the effect of missense changes on protein structure and function are either unavailable or do not agree on the potential impact of this missense change (SIFT: "Deleterious"; PolyPhen-2: "Probably Damaging"; Align-GVGD: "Class C0").